The following is an entry in ClinVar:

ClinVar aggregate classification (germline): Uncertain significance (1 of 4 stars; one submission).

Submission:

Labcorp Genetics (formerly Invitae), Labcorp
Classification: Uncertain significance. Last evaluated: 2024-12-24. Review status: criteria provided, single submitter. Criteria: Invitae Variant Classification Sherloc (09022015). Collection method: clinical testing. Allele origin: germline.
Comment: This sequence change replaces proline, which is neutral and non-polar, with leucine, which is neutral and non-polar, at codon 2078 of the FBN3 protein (p.Pro2078Leu). This variant is not present in population databases (gnomAD no frequency). This variant has not been reported in the literature in individuals affected with FBN3-related conditions. An algorithm developed to predict the effect of missense changes on protein structure and function outputs the following: PolyPhen-2: "Benign". The leucine amino acid residue is found in multiple mammalian species, which suggests that this missense change does not adversely affect protein function. In summary, the available evidence is currently insufficient to determine the role of this variant in disease. Therefore, it has been classified as a Variant of Uncertain Significance.

NM_032447.5(FBN3):c.6233C>T (p.Pro2078Leu)

Gene: FBN3 (fibrillin 3; minus strand). Cytogenetic location: 19p13.2.
Variant type: single nucleotide variant.
Coding change: c.6233C>T on transcript NM_032447.5 (MANE Select); coding-DNA position 6233, C replaced by T.
Protein change: p.Pro2078Leu; replaces proline 2078 with leucine.
Molecular consequence: missense variant.
Genome position (GRCh38, 1-based): chr19:8,089,911, G>A on the plus strand (C>T on the coding strand, the complement: FBN3 is on the minus strand). VCF-style: chr19-8089911-G-A. GRCh37 (hg19) VCF-style: chr19-8154795-G-A.
Other names: c.6233C>T, p.Pro2078Leu (NM_001321431.2); short protein forms P2078L.
Identifiers: ClinVar variation 3727925 (VCV003727925.2).
Genomic context (GRCh38, chr19:8,089,911, plus strand): 5'-GGTGGCCCAGAAGGGGCTCTTAGCATGTGGGTGAGGGGCTCACCTTCTCGGGAGTCATCC[G>A]GGCCTGGGACTGCCCCGTGGCCAAAGGGGCAGAGCTCCTGAAAGGCAGCTGGACGGAGAG-3'
Protein context (NP_115823.3, residues 2068-2088): CPFGHGAVPG[Pro2078Leu]DDSREDVNEC